The following is an entry in ClinVar:

NM_004787.4(SLIT2):c.4253C>T (p.Ala1418Val)

Gene: SLIT2 (slit guidance ligand 2; plus strand). Cytogenetic location: 4p15.31.
Variant type: single nucleotide variant.
Coding change: c.4253C>T on transcript NM_004787.4 (MANE Select); coding-DNA position 4253, C replaced by T.
Protein change: p.Ala1418Val; replaces alanine 1418 with valine.
Molecular consequence: missense variant.
Genome position (GRCh38, 1-based): chr4:20,617,555, C>T. VCF-style: chr4-20617555-C-T. GRCh37 (hg19) VCF-style: chr4-20619178-C-T.
Other names: c.4241C>T, p.Ala1414Val (NM_001289135.3); c.4229C>T, p.Ala1410Val (NM_001289136.3); short protein forms A1418V, A1410V, A1414V.
Identifiers: ClinVar variation 775213 (VCV000775213.37), dbSNP rs143417693, ClinGen allele CA2872395.

ClinVar aggregate classification (germline): Likely benign. Review status: criteria provided, multiple submitters, no conflicts (2 of 4 stars). 6 submissions from 6 submitters: Likely benign (3). 3 of the submissions do not count toward it. Last evaluated 2026-05-01.

Conditions:
SLIT2-related disorder. Also called: SLIT2-related condition.

Allele frequency attached by ClinVar (database versions not stated): 1000 Genomes Project 0.00040; 1000 Genomes Project 30x 0.00047; TOPMed 0.00251; ESP Exome Variant Server 0.00277.
gnomAD v4.1: 5,352 of 1,613,782 alleles (0.33%); highest among the groups gnomAD compares: Middle Eastern, 1.3%; 14 homozygotes.

Submissions (7):

CeGaT Center for Human Genetics Tuebingen
Classification: Likely benign. Last evaluated: 2026-05-01. Review status: criteria provided, single submitter. Criteria: CeGaT Center For Human Genetics Tuebingen Variant Classification Criteria Version 2. Collection method: clinical testing. Allele origin: germline. Affected: yes. Observed: 6 variant alleles.
Comment: SLIT2: BP4, BS2

Labcorp Genetics (formerly Invitae), Labcorp
Classification: Likely benign. Last evaluated: 2026-01-16. Review status: criteria provided, single submitter. Criteria: Invitae Variant Classification Sherloc (09022015). Collection method: clinical testing. Allele origin: germline.

Breakthrough Genomics
Classification: Likely benign. Review status: criteria provided, single submitter. Criteria: ACMG Guidelines, 2015. Collection method: not provided. Allele origin: germline. Inheritance: Unknown mechanism. Affected: yes.

PreventionGenetics, part of Exact Sciences
Classification: Likely benign for SLIT2-related condition. Last evaluated: 2020-04-04. Review status: no assertion criteria provided. Collection method: clinical testing. Allele origin: germline. Not counted in ClinVar's aggregate classification.
Comment: This variant is classified as likely benign based on ACMG/AMP sequence variant interpretation guidelines (Richards et al. 2015 PMID: 25741868, with internal and published modifications).

Clinical Genetics DNA and cytogenetics Diagnostics Lab, Erasmus MC, Erasmus Medical Center
Classification: Likely benign. Review status: no assertion criteria provided. Collection method: clinical testing. Allele origin: germline. Affected: yes. Study: VKGL Data-share Consensus. Not counted in ClinVar's aggregate classification.

Dr. Peter K. Rogan Lab, Western University
No classification provided (evidence only). Condition: Nonpapillary renal cell carcinoma. Review status: no classification provided. Collection method: in vitro. Allele origin: not applicable. Functional consequence: retained intron. Not counted in ClinVar's aggregate classification.

Genome Diagnostics Laboratory, University Medical Center Utrecht
Classification: Likely benign. Review status: no assertion criteria provided. Collection method: clinical testing. Allele origin: germline. Affected: yes. Study: VKGL Data-share Consensus. Not counted in ClinVar's aggregate classification.